The following is an entry in ClinVar:

ClinVar aggregate classification (germline): Uncertain significance. Review status: criteria provided, multiple submitters, no conflicts (2 of 4 stars). 4 submissions from 4 submitters: Uncertain significance (4). Last evaluated 2025-12-02.

Conditions:
Symmetrical dyschromatosis of extremities (DSH). Also called: RETICULATE ACROPIGMENTATION OF DOHI; SYMMETRIC DYSCHROMATOSIS OF THE EXTREMITIES; DYSCHROMATOSIS SYMMETRICA HEREDITARIA 1; Dyschromatosis symmetrica hereditaria. Identifiers: Orphanet 41, MedGen C0406775, MONDO:0007483, OMIM 127400.
Aicardi-Goutieres syndrome 6 (AGS6). Identifiers: Orphanet 51, MedGen C3539013, MONDO:0014007, OMIM 615010.
Inborn genetic diseases. Identifiers: MedGen C0950123, MeSH D030342.

Allele frequency attached by ClinVar (database versions not stated): ExAC 0.00001; gnomAD exomes 0.00001; gnomAD 0.00001; TOPMed 0.00001.

Submissions (4):

Women's Health and Genetics/Laboratory Corporation of America, LabCorp
Classification: Uncertain significance. Last evaluated: 2025-12-02. Review status: criteria provided, single submitter. Criteria: LabCorp Variant Classification Summary - May 2015. Collection method: clinical testing. Allele origin: germline.
Comment: Variant summary: ADAR c.1207A>G (p.Met403Val) results in a conservative amino acid change in the encoded protein sequence. Algorithms developed to predict the effect of missense changes on protein structure and function all suggest that this variant is likely to be tolerated. The variant allele was found at a frequency of 1.2e-05 in 251492 control chromosomes. The available data on variant occurrences in the general population are insufficient to allow any conclusion about variant significance. To our knowledge, no occurrence of c.1207A>G in individuals affected with ADAR-related conditions and no experimental evidence demonstrating its impact on protein function have been reported. ClinVar contains an entry for this variant (Variation ID: 1371182). Based on the evidence outlined above, the variant was classified as uncertain significance.

Labcorp Genetics (formerly Invitae), Labcorp
Classification: Uncertain significance for Aicardi-Goutieres syndrome 6; Symmetrical dyschromatosis of extremities. Last evaluated: 2025-06-15. Review status: criteria provided, single submitter. Criteria: Invitae Variant Classification Sherloc (09022015). Collection method: clinical testing. Allele origin: germline.
Comment: This sequence change replaces methionine, which is neutral and non-polar, with valine, which is neutral and non-polar, at codon 403 of the ADAR protein (p.Met403Val). This variant is present in population databases (rs762748379, gnomAD 0.006%). This variant has not been reported in the literature in individuals affected with ADAR-related conditions. ClinVar contains an entry for this variant (Variation ID: 1371182). Invitae Evidence Modeling of protein sequence and biophysical properties (such as structural, functional, and spatial information, amino acid conservation, physicochemical variation, residue mobility, and thermodynamic stability) indicates that this missense variant is not expected to disrupt ADAR protein function with a negative predictive value of 80%. In summary, the available evidence is currently insufficient to determine the role of this variant in disease. Therefore, it has been classified as a Variant of Uncertain Significance.

Genome-Nilou Lab
Classification: Uncertain significance for Aicardi-Goutieres syndrome 6. Last evaluated: 2023-04-11. Review status: criteria provided, single submitter. Criteria: ACMG Guidelines, 2015. Collection method: clinical testing. Allele origin: germline. Affected: no.

Ambry Genetics
Classification: Uncertain significance for Inborn genetic diseases. Last evaluated: 2021-07-15. Review status: criteria provided, single submitter. Criteria: Ambry Variant Classification Scheme 2023. Collection method: clinical testing. Allele origin: germline.

NM_001111.5(ADAR):c.1207A>G (p.Met403Val)

Gene: ADAR (adenosine deaminase RNA specific; minus strand). Cytogenetic location: 1q21.3.
Variant type: single nucleotide variant.
Coding change: c.1207A>G on transcript NM_001111.5 (MANE Select); coding-DNA position 1207, A replaced by G.
Protein change: p.Met403Val; replaces methionine 403 with valine.
Molecular consequence: missense variant.
Genome position (GRCh38, 1-based): chr1:154,601,435, T>C on the plus strand (A>G on the coding strand, the complement: ADAR is on the minus strand). VCF-style: chr1-154601435-T-C. GRCh37 (hg19) VCF-style: chr1-154573911-T-C.
Other names: c.322A>G, p.Met108Val (NM_001025107.3, NM_001193495.2, NM_001365046.1 and 3 more transcripts); c.1234A>G, p.Met412Val (NM_001365045.1); c.1207A>G, p.Met403Val (NM_015840.4, NM_015841.4); c.1207A>G (NM_001111.4); short protein forms M108V, M412V, M403V.
Identifiers: ClinVar variation 1371182 (VCV001371182.10), dbSNP rs762748379, ClinGen allele CA1131573.